The following is an entry in ClinVar:

NM_004991.4(MECOM):c.790G>A (p.Glu264Lys)

Gene: MECOM (MDS1 and EVI1 complex locus; minus strand). Cytogenetic location: 3q26.2.
Variant type: single nucleotide variant.
Coding change: c.790G>A on transcript NM_004991.4 (MANE Select); coding-DNA position 790, G replaced by A.
Protein change: p.Glu264Lys; replaces glutamic acid 264 with lysine.
Molecular consequence: missense variant.
Genome position (GRCh38, 1-based): chr3:169,127,884, C>T on the plus strand (G>A on the coding strand, the complement: MECOM is on the minus strand). VCF-style: chr3-169127884-C-T. GRCh37 (hg19) VCF-style: chr3-168845672-C-T.
Other names: c.418G>A, p.Glu140Lys (NM_001105077.4); c.226G>A, p.Glu76Lys (NM_001105078.4, NM_001163999.2, NM_001164000.2 and 9 more transcripts); c.790G>A, p.Glu264Lys (NM_001366466.2, NM_001366473.2); short protein forms E140K, E264K, E76K.
Identifiers: ClinVar variation 4624605 (VCV004624605.1).

ClinVar aggregate classification (germline): Uncertain significance (1 of 4 stars; one submission).

Conditions:
Inborn genetic diseases. Identifiers: MedGen C0950123, MeSH D030342.

gnomAD v4.1: 1 of 1,614,012 alleles (0.000062%); highest among the groups gnomAD compares: African/African-American, 0.0013%; no homozygotes.

Submission:

Ambry Genetics
Classification: Uncertain significance for Inborn genetic diseases. Last evaluated: 2025-09-26. Review status: criteria provided, single submitter. Criteria: Ambry Variant Classification Scheme 2023. Collection method: clinical testing. Allele origin: germline.
Comment: The p.E264K variant (also known as c.790G>A), located in coding exon 5 of the MECOM gene, results from a G to A substitution at nucleotide position 790. The glutamic acid at codon 264 is replaced by lysine, an amino acid with similar properties. This amino acid position is conserved. In addition, this alteration is predicted to be tolerated by in silico analysis. Based on the available evidence, the clinical significance of this variant remains unclear.